The following is an entry in ClinVar:

ClinVar aggregate classification (germline): Uncertain significance (1 of 4 stars; one submission).

Allele frequency attached by ClinVar (database versions not stated): gnomAD exomes below 0.00001; gnomAD 0.00001.
gnomAD v4.1: 3 of 1,614,058 alleles (0.00019%); highest among the groups gnomAD compares: Non-Finnish European, 0.00025%; no homozygotes.

Submission:

Labcorp Genetics (formerly Invitae), Labcorp
Classification: Uncertain significance. Last evaluated: 2024-02-17. Review status: criteria provided, single submitter. Criteria: Invitae Variant Classification Sherloc (09022015). Collection method: clinical testing. Allele origin: germline.
Comment: This sequence change replaces leucine, which is neutral and non-polar, with valine, which is neutral and non-polar, at codon 114 of the MTOR protein (p.Leu114Val). This variant is present in population databases (no rsID available, gnomAD 0.002%). This variant has not been reported in the literature in individuals affected with MTOR-related conditions. ClinVar contains an entry for this variant (Variation ID: 2095212). Advanced modeling of protein sequence and biophysical properties (such as structural, functional, and spatial information, amino acid conservation, physicochemical variation, residue mobility, and thermodynamic stability) performed at Invitae indicates that this missense variant is not expected to disrupt MTOR protein function with a negative predictive value of 95%. In summary, the available evidence is currently insufficient to determine the role of this variant in disease. Therefore, it has been classified as a Variant of Uncertain Significance.

NM_004958.4(MTOR):c.340C>G (p.Leu114Val)

Gene: MTOR (mechanistic target of rapamycin kinase; minus strand). Cytogenetic location: 1p36.22.
Variant type: single nucleotide variant.
Coding change: c.340C>G on transcript NM_004958.4 (MANE Select); coding-DNA position 340, C replaced by G.
Protein change: p.Leu114Val; replaces leucine 114 with valine.
Molecular consequence: missense variant. On other transcripts: 5 prime UTR variant (1).
Genome position (GRCh38, 1-based): chr1:11,257,097, G>C on the plus strand (C>G on the coding strand, the complement: MTOR is on the minus strand). VCF-style: chr1-11257097-G-C. GRCh37 (hg19) VCF-style: chr1-11317154-G-C.
Other names: c.340C>G, p.Leu114Val (NM_001386500.1); c.-800C>G (NM_001386501.1); short protein forms L114V.
Identifiers: ClinVar variation 2095212 (VCV002095212.4), dbSNP rs1167561582, ClinGen allele CA338404144.